The following is an entry in ClinVar:

NM_001146079.2(CLDN14):c.697T>C (p.Tyr233His)

Genes: CLDN14 (claudin 14; minus strand), CLDN14-AS1 (CLDN14 antisense RNA 1; plus strand). Cytogenetic location: 21q22.13.
Variant type: single nucleotide variant.
Coding change: c.697T>C on transcript NM_001146079.2 (MANE Select); coding-DNA position 697, T replaced by C.
Protein change: p.Tyr233His; replaces tyrosine 233 with histidine.
Molecular consequence: missense variant.
Genome position (GRCh38, 1-based): chr21:36,460,999, A>G on the plus strand (T>C on the coding strand, the complement: CLDN14 is on the minus strand). VCF-style: chr21-36460999-A-G. GRCh37 (hg19) VCF-style: chr21-37833297-A-G.
Other names: c.697T>C, p.Tyr233His (NM_001146077.2, NM_001146078.3, NM_012130.4 and 1 more transcripts); short protein forms Y233H.
Identifiers: ClinVar variation 3600444 (VCV003600444.1).

ClinVar aggregate classification (germline): Uncertain significance (1 of 4 stars; one submission).

gnomAD v4.1: 1 of 1,612,956 alleles (0.000062%); highest among the groups gnomAD compares: Non-Finnish European, 0.000085%; no homozygotes.

Submission:

Clinical Genomics Laboratory, Washington University in St. Louis
Classification: Uncertain significance. Last evaluated: 2024-10-04. Review status: criteria provided, single submitter. Criteria: ACMG Guidelines, 2015. Collection method: clinical testing. Allele origin: germline.
Comment: The CLDN14 c.697T>C (p.Tyr233His) variant was identified at a near heterozygous allelic fraction of 49.73%, a frequency which may be consistent with germline origin. This variant, to our knowledge, has not been reported in the literature in association with vascular malformations. This variant has been observed on 1/1,612,956 alleles in the general population (gnomAD v.4.1.0), indicating it is not a common variant. Computational predictors indicate that the variant is damaging, evidence that correlates with impact on CLDN14 function. Due to limited information and based on ACMG/AMP guidelines for variant interpretation (Richards S et al., PMID: 25741868), the clinical significance of this variant is uncertain at this time.